The following is an entry in ClinVar:

NM_001846.4(COL4A2):c.916T>C (p.Tyr306His)

Gene: COL4A2 (collagen type IV alpha 2 chain; plus strand). Cytogenetic location: 13q34.
Variant type: single nucleotide variant.
Coding change: c.916T>C on transcript NM_001846.4 (MANE Select); coding-DNA position 916, T replaced by C.
Protein change: p.Tyr306His; replaces tyrosine 306 with histidine.
Molecular consequence: missense variant.
Genome position (GRCh38, 1-based): chr13:110,439,792, T>C. VCF-style: chr13-110439792-T-C. GRCh37 (hg19) VCF-style: chr13-111092139-T-C.
Other names: short protein forms Y306H.
Identifiers: ClinVar variation 3356899 (VCV003356899.1).

ClinVar aggregate classification (germline): Uncertain significance (0 of 4 stars; one submission).

Conditions:
COL4A2-related disorder. Also called: COL4A2-related disorders; COL4A2-related condition.

gnomAD v4.1: 3 of 1,614,070 alleles (0.00019%); highest among the groups gnomAD compares: Admixed American, 0.005%; no homozygotes.

Submission:

PreventionGenetics, part of Exact Sciences
Classification: Uncertain significance for COL4A2-related condition. Last evaluated: 2024-03-11. Review status: no assertion criteria provided. Collection method: clinical testing. Allele origin: germline.
Comment: The COL4A2 c.916T>C variant is predicted to result in the amino acid substitution p.Tyr306His. To our knowledge, this variant has not been reported in the literature. This variant is reported in 0.0058% of alleles in individuals of Latino descent in gnomAD. At this time, the clinical significance of this variant is uncertain due to the absence of conclusive functional and genetic evidence.